The following is an entry in ClinVar:

ClinVar aggregate classification (germline): Uncertain significance (1 of 4 stars; one submission).

Submission:

GeneDx
Classification: Uncertain significance. Last evaluated: 2024-02-12. Review status: criteria provided, single submitter. Criteria: GeneDx Variant Classification Process June 2021. Collection method: clinical testing. Allele origin: germline. Affected: yes.
Comment: Not observed at significant frequency in large population cohorts (gnomAD); In silico analysis supports that this missense variant has a deleterious effect on protein structure/function; Has not been previously published as pathogenic or benign to our knowledge; This variant is associated with the following publications: (PMID: 28094913)

NM_000278.5(PAX2):c.140A>C (p.Gln47Pro)

Gene: PAX2 (paired box 2; plus strand). Cytogenetic location: 10q24.31.
Variant type: single nucleotide variant.
Coding change: c.140A>C on transcript NM_000278.5 (MANE Select); coding-DNA position 140, A replaced by C.
Protein change: p.Gln47Pro; replaces glutamine 47 with proline.
Molecular consequence: missense variant.
Genome position (GRCh38, 1-based): chr10:100,749,842, A>C. VCF-style: chr10-100749842-A-C. GRCh37 (hg19) VCF-style: chr10-102509599-A-C.
Other names: c.233A>C, p.Gln78Pro (NM_001304569.2); c.140A>C, p.Gln47Pro (NM_003987.5, NM_003988.5, NM_003989.5 and 1 more transcripts); short protein forms Q47P, Q78P.
Identifiers: ClinVar variation 3368778 (VCV003368778.1).